The following is an entry in ClinVar:

ClinVar aggregate classification (germline): Pathogenic (1 of 4 stars; one submission).

Conditions:
Medium-chain acyl-coenzyme A dehydrogenase deficiency (ACADMD). Also called: MCADH DEFICIENCY; MCADD; Medium chain acyl-CoA dehydrogenase deficiency; MCAD Deficiency; ACADM DEFICIENCY; CARNITINE DEFICIENCY SECONDARY TO MEDIUM-CHAIN ACYL-CoA DEHYDROGENASE DEFICIENCY. Identifiers: Orphanet 42, MedGen C0220710, MONDO:0008721, OMIM 201450.

Submission:

Labcorp Genetics (formerly Invitae), Labcorp
Classification: Pathogenic for Medium-chain acyl-coenzyme A dehydrogenase deficiency. Last evaluated: 2024-02-29. Review status: criteria provided, single submitter. Criteria: Invitae Variant Classification Sherloc (09022015). Collection method: clinical testing. Allele origin: germline.
Comment: This sequence change creates a premature translational stop signal (p.Leu368*) in the ACADM gene. It is expected to result in an absent or disrupted protein product. Loss-of-function variants in ACADM are known to be pathogenic (PMID: 16121256, 20434380). This variant is not present in population databases (gnomAD no frequency). This variant has not been reported in the literature in individuals affected with ACADM-related conditions. For these reasons, this variant has been classified as Pathogenic.

Literature cited by the submitters: PubMed 16121256; PubMed 20434380.

NM_000016.6(ACADM):c.1103T>G (p.Leu368Ter)

Gene: ACADM (acyl-CoA dehydrogenase medium chain; plus strand). Cytogenetic location: 1p31.1.
Variant type: single nucleotide variant.
Coding change: c.1103T>G on transcript NM_000016.6 (MANE Select); coding-DNA position 1103, T replaced by G.
Protein change: p.Leu368Ter; replaces leucine 368 with a stop codon.
Molecular consequence: nonsense.
Genome position (GRCh38, 1-based): chr1:75,761,279, T>G. VCF-style: chr1-75761279-T-G. GRCh37 (hg19) VCF-style: chr1-76226964-T-G.
Other names: c.1115T>G, p.Leu372Ter (NM_001127328.3); c.995T>G, p.Leu332Ter (NM_001286042.2); c.1202T>G, p.Leu401Ter (NM_001286043.2); c.536T>G, p.Leu179Ter (NM_001286044.2); short protein forms L332*, L401*, L368*, L372*, L179*.
Identifiers: ClinVar variation 3643644 (VCV003643644.2).
Genomic context (GRCh38, chr1:75,761,279, plus strand): 5'-GTCGAAATACCTATTATGCTTCTATTGCAAAGGCATTTGCTGGAGATATTGCAAATCAGT[T>G]AGCTACTGATGCTGTGCAGATACTTGGAGGCAATGGATTTAATACAGAATATCCTGTAGA-3'